The following is an entry in ClinVar:

NM_152564.5(VPS13B):c.9391_9396dup (p.Met3131_Lys3132dup)

Gene: VPS13B (vacuolar protein sorting 13 homolog B; plus strand). Cytogenetic location: 8q22.2.
Variant type: Duplication.
Coding change: c.9391_9396dup on transcript NM_152564.5 (MANE Select); coding-DNA positions 9391 to 9396, 6 bases duplicated (ATGAAA; older notation c.9391_9396dupATGAAA).
Protein change: p.Met3131_Lys3132dup.
Molecular consequence: inframe insertion.
Genome position (GRCh38, 1-based): chr8:99,832,429-99,832,434, ATGAAA duplicated. VCF-style (leftmost placement, unchanged base first): chr8-99832428-T-TATGAAA. GRCh37 (hg19) VCF-style: chr8-100844656-T-TATGAAA.
Other names: p.Met3156_Lys3157dup; c.9466_9471dup, p.Met3156_Lys3157dup (NM_017890.5).
Identifiers: ClinVar variation 945048 (VCV000945048.7), dbSNP rs747778859, ClinGen allele CA4824705.

ClinVar aggregate classification (germline): Uncertain significance. Review status: criteria provided, multiple submitters, no conflicts (2 of 4 stars). 2 submissions from 2 submitters: Uncertain significance (2). Last evaluated 2022-07-06.

Conditions:
Cohen syndrome (COH1). Also called: PEPPER SYNDROME; Cutis verticis gyrata, retinitis pigmentosa, and sensorineural deafness. Identifiers: Orphanet 193, MedGen C0265223, MONDO:0008999, OMIM 216550.

Allele frequency attached by ClinVar (database versions not stated): gnomAD exomes below 0.00001; ExAC 0.00002; gnomAD 0.00002; TOPMed 0.00002; ESP Exome Variant Server 0.00008.

Submissions (2):

Labcorp Genetics (formerly Invitae), Labcorp
Classification: Uncertain significance for Cohen syndrome. Last evaluated: 2022-07-06. Review status: criteria provided, single submitter. Criteria: Invitae Variant Classification Sherloc (09022015). Collection method: clinical testing. Allele origin: germline.
Comment: This variant, c.9466_9471dup, results in the insertion of 2 amino acid(s) of the VPS13B protein (p.Met3156_Lys3157dup), but otherwise preserves the integrity of the reading frame. This variant is present in population databases (rs747778859, gnomAD 0.007%). This variant has not been reported in the literature in individuals affected with VPS13B-related conditions. ClinVar contains an entry for this variant (Variation ID: 945048). In summary, the available evidence is currently insufficient to determine the role of this variant in disease. Therefore, it has been classified as a Variant of Uncertain Significance.

Mayo Clinic Laboratories, Mayo Clinic
Classification: Uncertain significance. Last evaluated: 2022-02-04. Review status: criteria provided, single submitter. Criteria: ACMG Guidelines, 2015. Collection method: clinical testing. Allele origin: germline. Observed: 1 variant allele.
Comment: PM2_supporting, PM4